The following is an entry in ClinVar:

ClinVar aggregate classification (germline): Uncertain significance (1 of 4 stars; one submission).

Conditions:
Inborn genetic diseases. Identifiers: MedGen C0950123, MeSH D030342.

Submission:

Ambry Genetics
Classification: Uncertain significance for Inborn genetic diseases. Last evaluated: 2024-11-30. Review status: criteria provided, single submitter. Criteria: Ambry Variant Classification Scheme 2023. Collection method: clinical testing. Allele origin: germline.
Comment: The p.S599F variant (also known as c.1796C>T), located in coding exon 8 of the MECOM gene, results from a C to T substitution at nucleotide position 1796. The serine at codon 599 is replaced by phenylalanine, an amino acid with highly dissimilar properties. This amino acid position is conserved. In addition, the in silico prediction for this alteration is inconclusive. Based on the available evidence, the clinical significance of this variant remains unclear.

NM_004991.4(MECOM):c.1796C>T (p.Ser599Phe)

Gene: MECOM (MDS1 and EVI1 complex locus; minus strand). Cytogenetic location: 3q26.2.
Variant type: single nucleotide variant.
Coding change: c.1796C>T on transcript NM_004991.4 (MANE Select); coding-DNA position 1796, C replaced by T.
Protein change: p.Ser599Phe; replaces serine 599 with phenylalanine.
Molecular consequence: missense variant. On other transcripts: intron variant (2).
Genome position (GRCh38, 1-based): chr3:169,116,076, G>A on the plus strand (C>T on the coding strand, the complement: MECOM is on the minus strand). VCF-style: chr3-169116076-G-A. GRCh37 (hg19) VCF-style: chr3-168833864-G-A.
Other names: c.1427C>T, p.Ser476Phe (NM_001105077.4); c.1232C>T, p.Ser411Phe (NM_001105078.4, NM_001164000.2, NM_001205194.2 and 4 more transcripts); c.1235C>T, p.Ser412Phe (NM_001163999.2, NM_001366467.2, NM_001366468.2 and 1 more transcripts); c.1796C>T, p.Ser599Phe (NM_001366466.2); c.1133-309C>T (NM_001366473.2); c.569-309C>T (NM_001366474.2); short protein forms S411F, S412F, S476F, S599F.
Identifiers: ClinVar variation 3394352 (VCV003394352.1).
Genomic context (GRCh38, chr3:169,116,076, plus strand): 5'-AACATTTTACCATTTTCTTTAAATTTCTCTTTATCACTTTCAATGTCACTTTCCAGATCA[G>A]AGCCCGAGGTTGTTTCCAGGTCACTGCCACTTGGTGTACTGACATCATCAAGGTCACTAC-3'
Protein context (NP_004982.2, residues 589-609): SGSDLETTSG[Ser599Phe]DLESDIESDK